The following is an entry in ClinVar:

NM_006892.4(DNMT3B):c.1297+5C>T

Gene: DNMT3B (DNA methyltransferase 3 beta; plus strand). Cytogenetic location: 20q11.21.
Variant type: single nucleotide variant.
Coding change: c.1297+5C>T on transcript NM_006892.4 (MANE Select); 5 bases into the intron after coding-DNA position 1297, C replaced by T.
Molecular consequence: intron variant.
Genome position (GRCh38, 1-based): chr20:32,795,699, C>T. VCF-style: chr20-32795699-C-T. GRCh37 (hg19) VCF-style: chr20-31383505-C-T.
Other names: c.1237+5C>T (NM_175848.2, NM_175849.2); c.1111+5C>T (NM_001207055.2); c.1009+5C>T (NM_001207056.2); c.1273+5C>T (NM_175850.3); c.1297+5C>T (NM_006892.3).
Identifiers: ClinVar variation 2066420 (VCV002066420.4), dbSNP rs754263993, ClinGen allele CA9810502.

ClinVar aggregate classification (germline): Uncertain significance. Review status: criteria provided, multiple submitters, no conflicts (2 of 4 stars). 3 submissions from 3 submitters: Uncertain significance (2). 1 of the submissions does not count toward it. Last evaluated 2025-07-24.

Conditions:
Centromeric instability of chromosomes 1,9 and 16 and immunodeficiency (ICF1). Also called: Immunodeficiency-centromeric instability-facial anomalies; IMMUNE DEFICIENCY, VARIABLE, WITH CENTROMERIC INSTABILITY OF CHROMOSOMES 1, 9, AND 16; IMMUNODEFICIENCY SYNDROME, VARIABLE; CENTROMERIC INSTABILITY, IMMUNODEFICIENCY SYNDROME. Identifiers: Orphanet 2268, MedGen C0398788, MONDO:0000133.
DNMT3B-related disorder. Also called: DNMT3B-related condition.

Allele frequency attached by ClinVar (database versions not stated): ExAC 0.00001; gnomAD 0.00002; TOPMed 0.00002.
gnomAD v4.1: 27 of 1,613,970 alleles (0.0017%); highest among the groups gnomAD compares: Middle Eastern, 0.017%; no homozygotes.

Submissions (3):

Women's Health and Genetics/Laboratory Corporation of America, LabCorp
Classification: Uncertain significance. Last evaluated: 2025-07-24. Review status: criteria provided, single submitter. Criteria: LabCorp Variant Classification Summary - May 2015. Collection method: clinical testing. Allele origin: germline.

Labcorp Genetics (formerly Invitae), Labcorp
Classification: Uncertain significance for Centromeric instability of chromosomes 1,9 and 16 and immunodeficiency. Last evaluated: 2022-04-06. Review status: criteria provided, single submitter. Criteria: Invitae Variant Classification Sherloc (09022015). Collection method: clinical testing. Allele origin: germline.
Comment: This sequence change falls in intron 12 of the DNMT3B gene. It does not directly change the encoded amino acid sequence of the DNMT3B protein. It affects a nucleotide within the consensus splice site. This variant is present in population databases (rs754263993, gnomAD 0.01%). This variant has not been reported in the literature in individuals affected with DNMT3B-related conditions. Variants that disrupt the consensus splice site are a relatively common cause of aberrant splicing (PMID: 17576681, 9536098). Algorithms developed to predict the effect of sequence changes on RNA splicing suggest that this variant is not likely to affect RNA splicing. In summary, the available evidence is currently insufficient to determine the role of this variant in disease. Therefore, it has been classified as a Variant of Uncertain Significance.

PreventionGenetics, part of Exact Sciences
Classification: Likely benign for DNMT3B-related condition. Last evaluated: 2019-08-21. Review status: no assertion criteria provided. Collection method: clinical testing. Allele origin: germline. Not counted in ClinVar's aggregate classification.
Comment: This variant is classified as likely benign based on ACMG/AMP sequence variant interpretation guidelines (Richards et al. 2015 PMID: 25741868, with internal and published modifications).

Literature cited by the submitters: PubMed 17576681 (cited by Labcorp Genetics (formerly Invitae), Labcorp); PubMed 9536098 (cited by Labcorp Genetics (formerly Invitae), Labcorp).